The following is an entry in ClinVar:

ClinVar aggregate classification (germline): Uncertain significance (1 of 4 stars; one submission).

Submission:

GeneDx
Classification: Uncertain significance. Last evaluated: 2024-09-09. Review status: criteria provided, single submitter. Criteria: GeneDx Variant Classification Process June 2021. Collection method: clinical testing. Allele origin: germline. Affected: yes.
Comment: Not observed at significant frequency in large population cohorts (gnomAD); In silico analysis supports a deleterious effect on protein structure/function; Has not been previously published as pathogenic or benign to our knowledge

NM_005826.5(HNRNPR):c.652_653delinsTT (p.Ala218Phe)

Gene: HNRNPR (heterogeneous nuclear ribonucleoprotein R; minus strand). Cytogenetic location: 1p36.12.
Variant type: Indel.
Coding change: c.652_653delinsTT on transcript NM_005826.5 (MANE Select); coding-DNA positions 652 to 653, GC replaced by TT.
Protein change: p.Ala218Phe; replaces alanine 218 with phenylalanine.
Molecular consequence: missense variant. On other transcripts: intron variant (1).
Genome position (GRCh38, 1-based): chr1:23,323,578-23,323,579, GC replaced by AA on the plus strand (GC replaced by TT on the coding strand, the reverse complement: HNRNPR is on the minus strand). VCF-style: chr1-23323578-GC-AA. GRCh37 (hg19) VCF-style: chr1-23650071-GC-AA.
Other names: c.349_350delinsTT, p.Ala117Phe (NM_001102397.3, NM_001102399.3); c.652_653delinsTT, p.Ala218Phe (NM_001102398.3); c.538_539delinsTT, p.Ala180Phe (NM_001297620.2); c.235_236delinsTT, p.Ala79Phe (NM_001297622.2); c.196-1916_196-1915delinsTT (NM_001297621.2); short protein forms A117F, A180F, A218F, A79F.
Identifiers: ClinVar variation 3770006 (VCV003770006.1).